The following is an entry in ClinVar:

ClinVar aggregate classification (germline): Likely benign. Review status: criteria provided, multiple submitters, no conflicts (2 of 4 stars). 4 submissions from 4 submitters: Likely benign (3). 1 of the submissions does not count toward it. Last evaluated 2025-11-23.

Conditions:
MYO7A-related disorder. Also called: MYO7A-related disorders.

Allele frequency attached by ClinVar (database versions not stated): gnomAD exomes 0.00003 and 0.00005; TOPMed 0.00003; ExAC 0.00006; gnomAD 0.00007.
gnomAD v4.1: 85 of 1,604,600 alleles (0.0053%); highest among the groups gnomAD compares: African/African-American, 0.011%; no homozygotes.

Submissions (4):

Labcorp Genetics (formerly Invitae), Labcorp
Classification: Likely benign. Last evaluated: 2025-11-23. Review status: criteria provided, single submitter. Criteria: Invitae Variant Classification Sherloc (09022015). Collection method: clinical testing. Allele origin: germline.

Blueprint Genetics
Classification: Likely benign. Last evaluated: 2022-01-25. Review status: criteria provided, single submitter. Criteria: ACMG Guidelines, 2015. Collection method: clinical testing. Allele origin: germline.

Laboratory for Molecular Medicine, Mass General Brigham Personalized Medicine
Classification: Likely benign. Last evaluated: 2015-02-12. Review status: criteria provided, single submitter. Criteria: LMM Criteria. Collection method: clinical testing. Allele origin: germline. Observed: 1 variant allele.
Comment: p.Pro1550Pro in exon 35 of MYO7A: This variant is not expected to have clinical significance because it does not alter an amino acid residue and is not located within the splice consensus sequence. It has been identified in 2/30922 of Europ ean (non-Finnish) chromosomes and 1/4450 of African chromosomes by the Exome Agg regation Consortium (ExAC).

PreventionGenetics, part of Exact Sciences
Classification: Likely benign for MYO7A-related condition. Last evaluated: 2019-07-22. Review status: no assertion criteria provided. Collection method: clinical testing. Allele origin: germline. Not counted in ClinVar's aggregate classification.
Comment: This variant is classified as likely benign based on ACMG/AMP sequence variant interpretation guidelines (Richards et al. 2015 PMID: 25741868, with internal and published modifications).

NM_000260.4(MYO7A):c.4650G>A (p.Pro1550=)

Gene: MYO7A (myosin VIIA; plus strand). Cytogenetic location: 11q13.5.
Variant type: single nucleotide variant.
Coding change: c.4650G>A on transcript NM_000260.4 (MANE Select); coding-DNA position 4650, G replaced by A.
Protein change: p.Pro1550=; no amino-acid change (proline 1550 retained).
Molecular consequence: synonymous variant. On other transcripts: intron variant (2).
Genome position (GRCh38, 1-based): chr11:77,199,616, G>A. VCF-style: chr11-77199616-G-A. GRCh37 (hg19) VCF-style: chr11-76910661-G-A.
Other names: c.4536-33G>A (NM_001369365.1); c.4569-33G>A (NM_001127180.2).
Identifiers: ClinVar variation 227686 (VCV000227686.14), dbSNP rs751242817, ClinGen allele CA6198510.